The following is an entry in ClinVar:

ClinVar aggregate classification (germline): Likely benign (1 of 4 stars; one submission).

gnomAD v4.1: 17 of 1,605,954 alleles (0.0011%); highest among the groups gnomAD compares: East Asian, 0.0045%; no homozygotes.

Submission:

Women's Health and Genetics/Laboratory Corporation of America, LabCorp
Classification: Likely benign. Last evaluated: 2024-06-19. Review status: criteria provided, single submitter. Criteria: LabCorp Variant Classification Summary - May 2015. Collection method: clinical testing. Allele origin: germline.
Comment: Variant summary: PLEC c.194-641C>T is located at a position not widely known to affect splicing. Consensus agreement among computation tools predict no significant impact on normal splicing. However, these predictions have yet to be confirmed by functional studies. This variant is also known as c.112+17C>T in NM_201384.3. The variant allele was found at a frequency of 1.3e-05 in 232384 control chromosomes. The available data on variant occurrences in the general population are insufficient to allow any conclusion about variant significance. To our knowledge, no occurrence of c.194-641C>T in individuals affected with PLEC-Related Disorders and no experimental evidence demonstrating its impact on protein function have been reported. No submitters have cited clinical-significance assessments for this variant to ClinVar. Based on the evidence outlined above, the variant was classified as likely benign.

NM_201384.3(PLEC):c.112+17C>T

Gene: PLEC (plectin; minus strand). Cytogenetic location: 8q24.3.
Variant type: single nucleotide variant.
Coding change: c.112+17C>T on transcript NM_201384.3 (MANE Select); 17 bases into the intron after coding-DNA position 112, C replaced by T.
Molecular consequence: intron variant.
Genome position (GRCh38, 1-based): chr8:143,939,333, G>A on the plus strand (C>T on the coding strand, the complement: PLEC is on the minus strand). VCF-style: chr8-143939333-G-A. GRCh37 (hg19) VCF-style: chr8-145013501-G-A.
Other names: c.194-641C>T (NM_001410941.1, NM_000445.5); c.71-641C>T (NM_201378.4); c.47-641C>T (NM_201379.3); c.524-641C>T (NM_201380.4); c.17-641C>T (NM_201381.3); c.113-641C>T (NM_201382.4); c.125-641C>T (NM_201383.3).
Identifiers: ClinVar variation 3339976 (VCV003339976.1).